The following is an entry in ClinVar:

NM_015602.4(TOR1AIP1):c.1309C>T (p.Arg437Cys)

Gene: TOR1AIP1 (torsin 1A interacting protein 1; plus strand). Cytogenetic location: 1q25.2.
Variant type: single nucleotide variant.
Coding change: c.1309C>T on transcript NM_015602.4 (MANE Select); coding-DNA position 1309, C replaced by T.
Protein change: p.Arg437Cys; replaces arginine 437 with cysteine.
Molecular consequence: missense variant.
Genome position (GRCh38, 1-based): chr1:179,917,796, C>T. VCF-style: chr1-179917796-C-T. GRCh37 (hg19) VCF-style: chr1-179886931-C-T.
Other names: c.1312C>T, p.Arg438Cys (NM_001267578.2); short protein forms R437C, R438C.
Identifiers: ClinVar variation 955421 (VCV000955421.10), dbSNP rs1649066648, ClinGen allele CA343574196.

ClinVar aggregate classification (germline): Uncertain significance (1 of 4 stars; one submission).

Conditions:
Autosomal recessive limb-girdle muscular dystrophy type 2Y (MRRSDC). Also called: Muscular dystrophy, limb-girdle, type 2y; Muscular dystrophy, autosomal recessive, with rigid spine and distal joint contractures. Identifiers: Orphanet 424261, MedGen C4511482, MONDO:0014900, OMIM 617072.

Allele frequency attached by ClinVar (database versions not stated): gnomAD exomes below 0.00001; TOPMed below 0.00001.
gnomAD v4.1: 1 of 1,614,128 alleles (0.000062%); highest among the groups gnomAD compares: African/African-American, 0.0013%; no homozygotes.

Submission:

Labcorp Genetics (formerly Invitae), Labcorp
Classification: Uncertain significance for Autosomal recessive limb-girdle muscular dystrophy type 2Y. Last evaluated: 2019-09-23. Review status: criteria provided, single submitter. Criteria: Invitae Variant Classification Sherloc (09022015). Collection method: clinical testing. Allele origin: germline.
Comment: In summary, the available evidence is currently insufficient to determine the role of this variant in disease. Therefore, it has been classified as a Variant of Uncertain Significance. Algorithms developed to predict the effect of missense changes on protein structure and function are either unavailable or do not agree on the potential impact of this missense change (SIFT: "Tolerated"; PolyPhen-2: "Possibly Damaging"; Align-GVGD: "Class C0"). This variant has not been reported in the literature in individuals with TOR1AIP1-related conditions. This variant is not present in population databases (ExAC no frequency). This sequence change replaces arginine with cysteine at codon 438 of the TOR1AIP1 protein (p.Arg438Cys). The arginine residue is moderately conserved and there is a large physicochemical difference between arginine and cysteine.